The following is an entry in ClinVar:

ClinVar aggregate classification (germline): Uncertain significance. Review status: criteria provided, multiple submitters, no conflicts (2 of 4 stars). 2 submissions from 2 submitters: Uncertain significance (2). Last evaluated 2023-06-03.

Conditions:
Cardiovascular phenotype. Identifiers: MedGen CN230736.
Hereditary cancer-predisposing syndrome. Also called: Neoplastic Syndromes, Hereditary; Tumor predisposition; Hereditary neoplastic syndrome; Hereditary Cancer Syndrome. Identifiers: Orphanet 140162, MedGen C0027672, MeSH D009386, MONDO:0015356.
Neurofibromatosis, type 1 (NF1). Also called: VON RECKLINGHAUSEN DISEASE; NEUROFIBROMATOSIS, TYPE I, SOMATIC; Peripheral type neurofibromatosis; Neurofibromatosis, type I. Identifiers: Orphanet 636, MedGen C0027831, MONDO:0018975, OMIM 162200. Disease mechanism: loss of function.

Submissions (2):

Ambry Genetics
Classification: Uncertain significance for Cardiovascular phenotype; Hereditary cancer-predisposing syndrome. Last evaluated: 2023-06-03. Review status: criteria provided, single submitter. Criteria: Ambry Variant Classification Scheme 2023. Collection method: clinical testing. Allele origin: germline.
Comment: The p.K233Q variant (also known as c.697A>C), located in coding exon 7 of the NF1 gene, results from an A to C substitution at nucleotide position 697. The lysine at codon 233 is replaced by glutamine, an amino acid with similar properties. This amino acid position is conserved. In addition, the in silico prediction for this alteration is inconclusive. Since supporting evidence is limited at this time, the clinical significance of this alteration remains unclear.

Labcorp Genetics (formerly Invitae), Labcorp
Classification: Uncertain significance for Neurofibromatosis, type 1. Last evaluated: 2022-12-01. Review status: criteria provided, single submitter. Criteria: Invitae Variant Classification Sherloc (09022015). Collection method: clinical testing. Allele origin: germline.
Comment: This variant is not present in population databases (gnomAD no frequency). In summary, the available evidence is currently insufficient to determine the role of this variant in disease. Therefore, it has been classified as a Variant of Uncertain Significance. Advanced modeling of protein sequence and biophysical properties (such as structural, functional, and spatial information, amino acid conservation, physicochemical variation, residue mobility, and thermodynamic stability) has been performed at Invitae for this missense variant, however the output from this modeling did not meet the statistical confidence thresholds required to predict the impact of this variant on NF1 protein function. ClinVar contains an entry for this variant (Variation ID: 527431). This variant has not been reported in the literature in individuals affected with NF1-related conditions. This sequence change replaces lysine, which is basic and polar, with glutamine, which is neutral and polar, at codon 233 of the NF1 protein (p.Lys233Gln).

NM_001042492.3(NF1):c.697A>C (p.Lys233Gln)

Gene: NF1 (neurofibromin 1; plus strand). Cytogenetic location: 17q11.2.
Variant type: single nucleotide variant.
Coding change: c.697A>C on transcript NM_001042492.3 (MANE Select); coding-DNA position 697, A replaced by C.
Protein change: p.Lys233Gln; replaces lysine 233 with glutamine.
Molecular consequence: missense variant.
Genome position (GRCh38, 1-based): chr17:31,181,752, A>C. VCF-style: chr17-31181752-A-C. GRCh37 (hg19) VCF-style: chr17-29508770-A-C.
Other names: c.697A>C, p.Lys233Gln (NM_000267.4, NM_001128147.3); short protein forms K233Q.
Identifiers: ClinVar variation 527431 (VCV000527431.6), dbSNP rs922257267, ClinGen allele CA289334694.